The following is an entry in ClinVar:

NM_019032.6(ADAMTSL4):c.585G>A (p.Pro195=)

Genes: ADAMTSL4 (ADAMTS like 4; plus strand), ADAMTSL4-AS2 (ADAMTSL4 antisense RNA 2; minus strand). Cytogenetic location: 1q21.2.
Variant type: single nucleotide variant.
Coding change: c.585G>A on transcript NM_019032.6 (MANE Select); coding-DNA position 585, G replaced by A.
Protein change: p.Pro195=; no amino-acid change (proline 195 retained).
Molecular consequence: synonymous variant.
Genome position (GRCh38, 1-based): chr1:150,553,576, G>A. VCF-style: chr1-150553576-G-A. GRCh37 (hg19) VCF-style: chr1-150526052-G-A.
Other names: c.585G>A, p.Pro195= (NM_001288607.2, NM_001288608.2, NM_001378596.1 and 1 more transcripts); c.585G>A (NM_019032.5).
Identifiers: ClinVar variation 1629164 (VCV001629164.11), dbSNP rs761599750, ClinGen allele CA1077993.

ClinVar aggregate classification (germline): Likely benign. Review status: criteria provided, multiple submitters, no conflicts (2 of 4 stars). 3 submissions from 3 submitters: Likely benign (2). 1 of the submissions does not count toward it. Last evaluated 2026-01-17.

Conditions:
ADAMTSL4-related disorder. Also called: ADAMTSL4-related condition; ADAMTSL4-Related Disorders.

Allele frequency attached by ClinVar (database versions not stated): ExAC 0.00002; gnomAD 0.00002; TOPMed 0.00002; gnomAD exomes 0.00004 and 0.00005.
gnomAD v4.1: 71 of 1,613,486 alleles (0.0044%); highest among the groups gnomAD compares: Non-Finnish European, 0.0058%; no homozygotes.

Submissions (3):

Labcorp Genetics (formerly Invitae), Labcorp
Classification: Likely benign. Last evaluated: 2026-01-17. Review status: criteria provided, single submitter. Criteria: Invitae Variant Classification Sherloc (09022015). Collection method: clinical testing. Allele origin: germline.

Blueprint Genetics
Classification: Likely benign. Last evaluated: 2021-10-21. Review status: criteria provided, single submitter. Criteria: ACMG Guidelines, 2015. Collection method: clinical testing. Allele origin: germline.

PreventionGenetics, part of Exact Sciences
Classification: Likely benign for ADAMTSL4-related condition. Last evaluated: 2022-09-08. Review status: no assertion criteria provided. Collection method: clinical testing. Allele origin: germline. Not counted in ClinVar's aggregate classification.
Comment: This variant is classified as likely benign based on ACMG/AMP sequence variant interpretation guidelines (Richards et al. 2015 PMID: 25741868, with internal and published modifications).